The following is an entry in ClinVar:

NM_001136157.2(OTUD5):c.1222G>T (p.Asp408Tyr)

Gene: OTUD5 (OTU deubiquitinase 5; minus strand). Cytogenetic location: Xp11.23.
Variant type: single nucleotide variant.
Coding change: c.1222G>T on transcript NM_001136157.2 (MANE Select); coding-DNA position 1222, G replaced by T.
Protein change: p.Asp408Tyr; replaces aspartic acid 408 with tyrosine.
Molecular consequence: missense variant.
Genome position (GRCh38, 1-based): chrX:48,925,888, C>A on the plus strand (G>T on the coding strand, the complement: OTUD5 is on the minus strand). VCF-style: chrX-48925888-C-A. GRCh37 (hg19) VCF-style: chrX-48783164-C-A.
Other names: c.1222G>T, p.Asp408Tyr (NM_001136158.2); c.571G>T, p.Asp191Tyr (NM_001136159.2); c.1237G>T, p.Asp413Tyr (NM_017602.4); short protein forms D413Y, D191Y, D408Y.
Identifiers: ClinVar variation 1940240 (VCV001940240.5), dbSNP rs2519727978, ClinGen allele CA412908067.
Genomic context (GRCh38, chrX:48,925,888, plus strand): 5'-GACAGAGTCCATGACCCACCTGGCTGGGGCCTCGGACCTGGCGAGCCTGTTTCTCCTGAT[C>A]CCGCAACCACTGCAGGTAGGATTCCCGAGCCACCTGCTCCTCGATGGCTTCATTTGTGGC-3'
Protein context (NP_001129629.1, residues 398-418): ARESYLQWLR[Asp408Tyr]QEKQARQVRG

ClinVar aggregate classification (germline): Uncertain significance (1 of 4 stars; one submission).

Submission:

Labcorp Genetics (formerly Invitae), Labcorp
Classification: Uncertain significance. Last evaluated: 2022-07-25. Review status: criteria provided, single submitter. Criteria: Invitae Variant Classification Sherloc (09022015). Collection method: clinical testing. Allele origin: germline.
Comment: In summary, the available evidence is currently insufficient to determine the role of this variant in disease. Therefore, it has been classified as a Variant of Uncertain Significance. Algorithms developed to predict the effect of sequence changes on RNA splicing suggest that this variant may create or strengthen a splice site. Algorithms developed to predict the effect of missense changes on protein structure and function (SIFT, PolyPhen-2, Align-GVGD) all suggest that this variant is likely to be disruptive. This missense change has been observed in individual(s) with clinical features of OTUD5-related conditions (Invitae). This variant is not present in population databases (gnomAD no frequency). This sequence change replaces aspartic acid, which is acidic and polar, with tyrosine, which is neutral and polar, at codon 413 of the OTUD5 protein (p.Asp413Tyr).